The following is an entry in ClinVar:

ClinVar aggregate classification (germline): Uncertain significance (1 of 4 stars; one submission).

Conditions:
Gorlin syndrome. Also called: Nevoid Basal Cell Carcinoma Syndrome; Basal cell nevus syndrome. Identifiers: Orphanet 377, MedGen C0004779, MONDO:0007187.

Allele frequency attached by ClinVar (database versions not stated): gnomAD 0.00001.

Submission:

Labcorp Genetics (formerly Invitae), Labcorp
Classification: Uncertain significance for Gorlin syndrome. Last evaluated: 2022-10-07. Review status: criteria provided, single submitter. Criteria: Invitae Variant Classification Sherloc (09022015). Collection method: clinical testing. Allele origin: germline.
Comment: This variant is not present in population databases (gnomAD no frequency). This sequence change replaces proline, which is neutral and non-polar, with serine, which is neutral and polar, at codon 747 of the PTCH1 protein (p.Pro747Ser). This variant has not been reported in the literature in individuals affected with PTCH1-related conditions. Advanced modeling of protein sequence and biophysical properties (such as structural, functional, and spatial information, amino acid conservation, physicochemical variation, residue mobility, and thermodynamic stability) performed at Invitae indicates that this missense variant is not expected to disrupt PTCH1 protein function. In summary, the available evidence is currently insufficient to determine the role of this variant in disease. Therefore, it has been classified as a Variant of Uncertain Significance.

NM_000264.5(PTCH1):c.2239C>T (p.Pro747Ser)

Genes: PTCH1 (patched 1; minus strand), LOC100507346 (uncharacterized LOC100507346; plus strand). Cytogenetic location: 9q22.32.
Variant type: single nucleotide variant.
Coding change: c.2239C>T on transcript NM_000264.5 (MANE Select); coding-DNA position 2239, C replaced by T.
Protein change: p.Pro747Ser; replaces proline 747 with serine.
Molecular consequence: missense variant. On other transcripts: non-coding transcript variant (2).
Genome position (GRCh38, 1-based): chr9:95,468,762, G>A on the plus strand (C>T on the coding strand, the complement: PTCH1 is on the minus strand). VCF-style: chr9-95468762-G-A. GRCh37 (hg19) VCF-style: chr9-98231044-G-A.
Other names: c.2041C>T, p.Pro681Ser (NM_001083602.3); c.2236C>T, p.Pro746Ser (NM_001083603.3); c.1786C>T, p.Pro596Ser (NM_001083604.3, NM_001083605.3, NM_001083606.3 and 1 more transcripts); c.2083C>T, p.Pro695Ser (NM_001354918.2); short protein forms P596S, P746S, P681S, P747S, P695S.
Identifiers: ClinVar variation 2150916 (VCV002150916.4), dbSNP rs1840270302, ClinGen allele CA374115207.
Genomic context (GRCh38, chr9:95,468,762, plus strand): 5'-TCTGTTATTTTTTTGAAGACAGGAAGAGCCTTAAGTTGTGGCAGATTACCTTGGCTTTTG[G>A]TTTCAAGAGGAAAGGAGCATAGTGCTTCTCAGCAAAAGATGAGAGTGTCCACTTCGTACA-3'
Protein context (NP_000255.2, residues 737-757): EKHYAPFLLK[Pro747Ser]KAKVVVIFLF